The following is an entry in ClinVar:

ClinVar aggregate classification (germline): Benign/Likely benign. Review status: criteria provided, multiple submitters, no conflicts (2 of 4 stars). 3 submissions from 3 submitters: Benign (2); Likely benign (1). Last evaluated 2025-10-27.

Allele frequency attached by ClinVar (database versions not stated): gnomAD exomes 0.00016 and 0.00033; ExAC 0.00035; 1000 Genomes Project 30x 0.00047; 1000 Genomes Project 0.00060; gnomAD 0.00144 and 0.00155; TOPMed 0.00168; ESP Exome Variant Server 0.00231.
gnomAD v4.1: 452 of 1,614,126 alleles (0.028%); highest among the groups gnomAD compares: African/African-American, 0.56%; 4 homozygotes.

Submissions (3):

Labcorp Genetics (formerly Invitae), Labcorp
Classification: Benign. Last evaluated: 2025-10-27. Review status: criteria provided, single submitter. Criteria: Invitae Variant Classification Sherloc (09022015). Collection method: clinical testing. Allele origin: germline.

CeGaT Center for Human Genetics Tuebingen
Classification: Likely benign. Last evaluated: 2025-08-01. Review status: criteria provided, single submitter. Criteria: CeGaT Center For Human Genetics Tuebingen Variant Classification Criteria Version 2. Collection method: clinical testing. Allele origin: germline. Affected: yes. Observed: 2 variant alleles.
Comment: VPS13D: BP4, BP7

Mayo Clinic Laboratories, Mayo Clinic
Classification: Benign. Last evaluated: 2025-05-02. Review status: criteria provided, single submitter. Criteria: ACMG Guidelines, 2015. Collection method: clinical testing. Allele origin: germline. Observed: 1 variant allele.
Comment: BA1, BP4, BP7

NM_015378.4(VPS13D):c.10093T>C (p.Leu3365=)

Gene: VPS13D (vacuolar protein sorting 13 homolog D; plus strand). Cytogenetic location: 1p36.22.
Variant type: single nucleotide variant.
Coding change: c.10093T>C on transcript NM_015378.4 (MANE Select); coding-DNA position 10093, T replaced by C.
Protein change: p.Leu3365=; no amino-acid change (leucine 3365 retained).
Molecular consequence: synonymous variant.
Genome position (GRCh38, 1-based): chr1:12,358,553, T>C. VCF-style: chr1-12358553-T-C. GRCh37 (hg19) VCF-style: chr1-12418609-T-C.
Other names: p.Leu3365=; c.10018T>C, p.Leu3340= (NM_018156.4).
Identifiers: ClinVar variation 1600185 (VCV001600185.17), dbSNP rs138869871, ClinGen allele CA603580.